The following is an entry in ClinVar:

ClinVar aggregate classification (germline): Likely benign. Review status: criteria provided, multiple submitters, no conflicts (2 of 4 stars). 3 submissions from 3 submitters: Likely benign (2). 1 of the submissions does not count toward it. Last evaluated 2026-08-01.

Conditions:
TTN-related disorder. Also called: TTN-related condition; TTN-related disease; TTN-related disorders.

Allele frequency attached by ClinVar (database versions not stated): gnomAD 0.00002; gnomAD exomes 0.00008; TOPMed 0.00008; ExAC 0.00011.
gnomAD v4.1: 52 of 1,613,166 alleles (0.0032%); highest among the groups gnomAD compares: Admixed American, 0.08%; no homozygotes.

Submissions (3):

CeGaT Center for Human Genetics Tuebingen
Classification: Likely benign. Last evaluated: 2026-08-01. Review status: criteria provided, single submitter. Criteria: CeGaT Center For Human Genetics Tuebingen Variant Classification Criteria Version 2. Collection method: clinical testing. Allele origin: germline. Affected: yes. Observed: 5 variant alleles.
Comment: TTN: BP4, BP7

Blueprint Genetics
Classification: Likely benign. Last evaluated: 2021-03-16. Review status: criteria provided, single submitter. Criteria: ACMG Guidelines, 2015. Collection method: clinical testing. Allele origin: germline.

PreventionGenetics, part of Exact Sciences
Classification: Likely benign for TTN-related condition. Last evaluated: 2020-02-06. Review status: no assertion criteria provided. Collection method: clinical testing. Allele origin: germline. Not counted in ClinVar's aggregate classification.
Comment: This variant is classified as likely benign based on ACMG/AMP sequence variant interpretation guidelines (Richards et al. 2015 PMID: 25741868, with internal and published modifications).

NM_001267550.2(TTN):c.11311+4767G>A

Genes: TTN (titin; minus strand), LOC126806432 (CDK7 strongly-dependent group 2 enhancer GRCh37_chr2:179611985-179613184; plus strand). Cytogenetic location: 2q31.2.
Variant type: single nucleotide variant.
Coding change: c.11311+4767G>A on transcript NM_001267550.2 (MANE Select); 4767 bases into the intron after coding-DNA position 11311, G replaced by A.
Molecular consequence: intron variant. On other transcripts: synonymous variant (1).
Genome position (GRCh38, 1-based): chr2:178,748,357, C>T on the plus strand (G>A on the coding strand, the complement: TTN is on the minus strand). VCF-style: chr2-178748357-C-T. GRCh37 (hg19) VCF-style: chr2-179613084-C-T.
Other names: c.14043G>A, p.Glu4681= (NM_133379.5); c.10222+4767G>A (NM_003319.4); c.10798+4767G>A (NM_133437.4); c.10597+4767G>A (NM_133432.3); c.10360+4767G>A (NM_133378.4, NM_001256850.1).
Identifiers: ClinVar variation 3034630 (VCV003034630.5), dbSNP rs756218470, ClinGen allele CA2003316.